The following is an entry in ClinVar:

NM_004385.5(VCAN):c.8194G>A (p.Ala2732Thr)

Genes: VCAN (versican; plus strand), VCAN-AS1 (VCAN antisense RNA 1; minus strand). Cytogenetic location: 5q14.3.
Variant type: single nucleotide variant.
Coding change: c.8194G>A on transcript NM_004385.5 (MANE Select); coding-DNA position 8194, G replaced by A.
Protein change: p.Ala2732Thr; replaces alanine 2732 with threonine.
Molecular consequence: missense variant. On other transcripts: intron variant (2).
Genome position (GRCh38, 1-based): chr5:83,541,197, G>A. VCF-style: chr5-83541197-G-A. GRCh37 (hg19) VCF-style: chr5-82837016-G-A.
Other names: c.5233G>A, p.Ala1745Thr (NM_001164097.2); c.4004-4340G>A (NM_001164098.2); c.1043-4340G>A (NM_001126336.3); short protein forms A1745T, A2732T.
Identifiers: ClinVar variation 2631450 (VCV002631450.1), dbSNP rs1273079508, ClinGen allele CA360316379.

ClinVar aggregate classification (germline): Uncertain significance (1 of 4 stars; one submission).

Conditions:
VCAN-related disorder. Also called: VCAN-related condition.

Allele frequency attached by ClinVar (database versions not stated): gnomAD exomes below 0.00001; TOPMed below 0.00001.
gnomAD v4.1: 2 of 1,613,958 alleles (0.00012%); highest among the groups gnomAD compares: African/African-American, 0.0027%; no homozygotes.

Submission:

PreventionGenetics, part of Exact Sciences
Classification: Uncertain significance for VCAN-related condition. Last evaluated: 2023-07-21. Review status: criteria provided, single submitter. Criteria: ACMG Guidelines, 2015. Collection method: clinical testing. Allele origin: germline.
Comment: The VCAN c.8194G>A variant is predicted to result in the amino acid substitution p.Ala2732Thr. To our knowledge, this variant has not been reported in the literature. This variant is reported in 0.0062% of alleles in individuals of African descent in gnomAD. At this time, the clinical significance of this variant is uncertain due to the absence of conclusive functional and genetic evidence.